The following is an entry in ClinVar:

ClinVar aggregate classification (germline): Uncertain significance (3 of 4 stars; one submission).

Conditions:
Open-angle glaucoma. Identifiers: MedGen C0017612, MONDO:0005338, HP:0012108.

Allele frequency attached by ClinVar (database versions not stated): ExAC 0.00004; gnomAD 0.00004; TOPMed 0.00006; 1000 Genomes Project 0.00020; 1000 Genomes Project 30x 0.00016.

Submission:

ClinGen Glaucoma Variant Curation Expert Panel
Classification: Uncertain significance for Open-angle glaucoma. Last evaluated: 2026-01-20. Review status: reviewed by expert panel. Criteria: ClinGen Glaucoma ACMG Specifications V2.0.0 Approved. Collection method: curation. Allele origin: germline. Inheritance: Autosomal dominant inheritance.
Comment: The c.644T>C variant in MYOC is a missense variant predicted to cause substitution of Leucine by Proline at amino acid 215 (p.Leu215Pro). The highest minor allele frequency of this variant was in the East Asian genetic ancestry group of gnomAD (v4.1.0) = 0.0004010 (18 alleles out of 44,884), which did not meet the PM2_Supporting allele frequency threshold (≤ 0.0001) or the BS1 allele frequency threshold (≥ 0.001). The REVEL score = 0.724, which was within the 0.644-0.772 range for PP3, predicting a damaging effect on MYOC function. There was no functional evidence predicting a damaging or benign impact of this variant on MYOC function. Although probands with juvenile or primary open angle glaucoma have been reported carrying this variant, PM2_Supporting was not met, therefore PS4 did not apply. In summary, this variant met the criteria to receive a score of 1 and to be classified as a variant of uncertain significance (uncertain significance classification range -1 to 5, adapted from PMID: 32720330) for primary open angle glaucoma based on the ACMG/AMP criteria met, as specified by the ClinGen Glaucoma VCEP (v2.0.0, 5 Dec 2024): PP3.

NM_000261.2(MYOC):c.644T>C (p.Leu215Pro)

Gene: MYOC (myocilin; minus strand). Cytogenetic location: 1q24.3.
Variant type: single nucleotide variant.
Coding change: c.644T>C on transcript NM_000261.2 (MANE Select); coding-DNA position 644, T replaced by C.
Protein change: p.Leu215Pro; replaces leucine 215 with proline.
Molecular consequence: missense variant.
Genome position (GRCh38, 1-based): chr1:171,638,683, A>G on the plus strand (T>C on the coding strand, the complement: MYOC is on the minus strand). VCF-style: chr1-171638683-A-G. GRCh37 (hg19) VCF-style: chr1-171607823-A-G.
Other names: NM_000261.2:c.644T>C; short protein forms L215P.
Identifiers: ClinVar variation 2442273 (VCV002442273.2), dbSNP rs531050114, ClinGen allele CA1244205.
Genomic context (GRCh38, chr1:171,638,683, plus strand): 5'-TAGCCAGATGGGCTCTCCTTCAAAATTCGGGAAGCAGGAACTTCAGTTAGCTCGGACTTC[A>G]GTTCCTGGAAGGCCAAAGTGTCCAAATTCCACGTAGAAACTGCATTAAAAGAAAGAGACA-3'
Protein context (NP_000252.1, residues 205-225): WNLDTLAFQE[Leu215Pro]KSELTEVPAS